The following is an entry in ClinVar:

NM_000214.3(JAG1):c.3287G>A (p.Arg1096Gln)

Gene: JAG1 (jagged canonical Notch ligand 1; minus strand). Cytogenetic location: 20p12.2.
Variant type: single nucleotide variant.
Coding change: c.3287G>A on transcript NM_000214.3 (MANE Select); coding-DNA position 3287, G replaced by A.
Protein change: p.Arg1096Gln; replaces arginine 1096 with glutamine.
Molecular consequence: missense variant.
Genome position (GRCh38, 1-based): chr20:10,639,868, C>T on the plus strand (G>A on the coding strand, the complement: JAG1 is on the minus strand). VCF-style: chr20-10639868-C-T. GRCh37 (hg19) VCF-style: chr20-10620516-C-T.
Other names: short protein forms R1096Q.
Identifiers: ClinVar variation 964672 (VCV000964672.17), dbSNP rs2067258057, ClinGen allele CA408243494.

ClinVar aggregate classification (germline): Uncertain significance. Review status: criteria provided, multiple submitters, no conflicts (2 of 4 stars). 6 submissions from 6 submitters: Uncertain significance (5). 1 of the submissions does not count toward it. Last evaluated 2026-01-19.

Conditions:
Tetralogy of Fallot (TOF). Identifiers: Orphanet 3303, MedGen C0039685, MONDO:0008542, OMIM 187500, HP:0001636.
Alagille syndrome due to a JAG1 point mutation. Also called: Alagille Syndrome 1; HEPATIC DUCTULAR HYPOPLASIA, SYNDROMATIC; JAG1-Related Alagille Syndrome. Identifiers: Orphanet 261619, Orphanet 52, MedGen C1956125, MONDO:0016862, OMIM 118450.
Deafness, congenital heart defects, and posterior embryotoxon (DCHE). Identifiers: MedGen C1866053, MONDO:0060713, OMIM 617992.
Charcot-Marie-Tooth disease, axonal, Type 2HH. Also called: CHARCOT-MARIE-TOOTH NEUROPATHY, TYPE 2HH. Identifiers: MedGen C5562003, MONDO:0030458, OMIM 619574.
Cardiovascular phenotype. Identifiers: MedGen CN230736.
JAG1-related disorder. Also called: JAG1-related condition; JAG1-related disorders.

Allele frequency attached by ClinVar (database versions not stated): gnomAD exomes below 0.00001; TOPMed below 0.00001; gnomAD 0.00001.
gnomAD v4.1: 8 of 1,613,998 alleles (0.0005%); highest among the groups gnomAD compares: East Asian, 0.0045%; no homozygotes.

Submissions (6):

Labcorp Genetics (formerly Invitae), Labcorp
Classification: Uncertain significance for Alagille syndrome due to a JAG1 point mutation. Last evaluated: 2026-01-19. Review status: criteria provided, single submitter. Criteria: Invitae Variant Classification Sherloc (09022015). Collection method: clinical testing. Allele origin: germline.
Comment: This sequence change replaces arginine, which is basic and polar, with glutamine, which is neutral and polar, at codon 1096 of the JAG1 protein (p.Arg1096Gln). This variant is not present in population databases (gnomAD no frequency). This variant has not been reported in the literature in individuals affected with JAG1-related conditions. ClinVar contains an entry for this variant (Variation ID: 964672). Invitae Evidence Modeling of protein sequence and biophysical properties (such as structural, functional, and spatial information, amino acid conservation, physicochemical variation, residue mobility, and thermodynamic stability) indicates that this missense variant is not expected to disrupt JAG1 protein function with a negative predictive value of 80%. In summary, the available evidence is currently insufficient to determine the role of this variant in disease. Therefore, it has been classified as a Variant of Uncertain Significance.

GeneDx
Classification: Uncertain significance. Last evaluated: 2026-01-09. Review status: criteria provided, single submitter. Criteria: GeneDx Variant Classification Process June 2021. Collection method: clinical testing. Allele origin: germline. Affected: yes.
Comment: In silico analysis supports that this missense variant has a deleterious effect on protein structure/function; Has not been previously published as pathogenic or benign to our knowledge

Ambry Genetics
Classification: Uncertain significance for Cardiovascular phenotype. Last evaluated: 2023-09-15. Review status: criteria provided, single submitter. Criteria: Ambry Variant Classification Scheme 2023. Collection method: clinical testing. Allele origin: germline.
Comment: The p.R1096Q variant (also known as c.3287G>A), located in coding exon 26 of the JAG1 gene, results from a G to A substitution at nucleotide position 3287. The arginine at codon 1096 is replaced by glutamine, an amino acid with highly similar properties. This amino acid position is conserved. In addition, the in silico prediction for this alteration is inconclusive. Since supporting evidence is limited at this time, the clinical significance of this alteration remains unclear.

Fulgent Genetics
Classification: Uncertain significance for Alagille syndrome due to a JAG1 point mutation; Tetralogy of Fallot; Deafness, congenital heart defects, and posterior embryotoxon; Charcot-Marie-Tooth disease, axonal, Type 2HH. Last evaluated: 2022-01-25. Review status: criteria provided, single submitter. Criteria: ACMG Guidelines, 2015. Collection method: clinical testing. Allele origin: unknown.

Blueprint Genetics
Classification: Uncertain significance. Last evaluated: 2019-06-03. Review status: criteria provided, single submitter. Criteria: ACMG Guidelines, 2015. Collection method: clinical testing. Allele origin: germline.

PreventionGenetics, part of Exact Sciences
Classification: Uncertain significance for JAG1-related condition. Last evaluated: 2024-03-06. Review status: no assertion criteria provided. Collection method: clinical testing. Allele origin: germline. Not counted in ClinVar's aggregate classification.
Comment: The JAG1 c.3287G>A variant is predicted to result in the amino acid substitution p.Arg1096Gln. To our knowledge, this variant has not been reported in the literature or in a large population database, indicating this variant is rare. At this time, the clinical significance of this variant is uncertain due to the absence of conclusive functional and genetic evidence.